The following is an entry in ClinVar:

NM_000077.5(CDKN2A):c.151-1G>C

Gene: CDKN2A (cyclin dependent kinase inhibitor 2A; minus strand). Cytogenetic location: 9p21.3.
Variant type: single nucleotide variant.
Coding change: c.151-1G>C on transcript NM_000077.5 (MANE Select); the canonical splice acceptor site of the intron before coding-DNA position 151, G replaced by C.
Molecular consequence: splice acceptor variant.
Genome position (GRCh38, 1-based): chr9:21,971,209, C>G on the plus strand (G>C on the coding strand, the complement: CDKN2A is on the minus strand). VCF-style: chr9-21971209-C-G. GRCh37 (hg19) VCF-style: chr9-21971208-C-G.
Other names: c.-3-1G>C (NM_001363763.2); c.194-1G>C (NM_058195.4); c.151-1G>C (NM_001195132.2); c.*74-1G>C (NM_058197.5).
Identifiers: ClinVar variation 182416 (VCV000182416.14), dbSNP rs730881677, ClinGen allele CA299032.

ClinVar aggregate classification (germline): Pathogenic. Review status: criteria provided, multiple submitters, no conflicts (2 of 4 stars). 3 submissions from 3 submitters: Pathogenic (3). Last evaluated 2025-08-07.

Conditions:
Hereditary cancer-predisposing syndrome. Also called: Hereditary Cancer Syndrome; Tumor predisposition; Neoplastic Syndromes, Hereditary; Hereditary neoplastic syndrome. Identifiers: Orphanet 140162, MedGen C0027672, MeSH D009386, MONDO:0015356.
Familial melanoma. Also called: Hereditary melanoma; Hereditary cutaneous melanoma. Identifiers: Orphanet 618, MedGen C1512419, MONDO:0018961.

Submissions (3):

Labcorp Genetics (formerly Invitae), Labcorp
Classification: Pathogenic for Familial melanoma. Last evaluated: 2025-08-07. Review status: criteria provided, single submitter. Criteria: Invitae Variant Classification Sherloc (09022015). Collection method: clinical testing. Allele origin: germline.
Comment: The CDKN2A gene encodes two different proteins, p16INK4a and p14ARF, which are translated from alternative transcripts with different open reading frames. Both transcripts have been analyzed. We report either the variant with the higher classification or default to the CDKN2A (p16INK4a) variant. This report therefore includes the details for the CDKN2A (p16INK4a) variant. This sequence change affects an acceptor splice site in intron 1 of the CDKN2A (p16INK4a) gene. RNA analysis indicates that disruption of this splice site induces altered splicing and may result in an absent or altered protein product. This variant is not present in population databases (gnomAD no frequency). Disruption of this splice site has been observed in individual(s) with clinical features of melanoma-NST syndrome (PMID: 11433531, 12920094, 26876133). It has also been observed to segregate with disease in related individuals. This variant is also known as c.194-1G>C in CDKN2A (p14ARF) transcript. ClinVar contains an entry for this variant (Variation ID: 182416). Studies have shown that disruption of this splice site results in skipping of exon 2, and produces a non-functional protein and/or introduces a premature termination codon (PMID: 11433531, 12920094). For these reasons, this variant has been classified as Pathogenic. The evidence indicates that this variant confers risk of developing CDKN2A (p16INK4a) and CDKN2A (p14ARF)-associated conditions.

Ambry Genetics
Classification: Pathogenic for Hereditary cancer-predisposing syndrome. Last evaluated: 2023-12-26. Review status: criteria provided, single submitter. Criteria: Ambry Variant Classification Scheme 2023. Collection method: clinical testing. Allele origin: germline.
Comment: The c.151-1G>C intronic pathogenic mutation results from a G to C one nucleotide upstream from coding exon 2 of the CDKN2A gene. This variant has been observed in patients with personal and family histories of melanoma and/or other tumors such as neurofibromas and peripheral nerve sheath tumors (Petronzelli F et al. Genes Chromosomes Cancer 2001 Aug; 31(4):398-401; Sargen MR et al. Br. J. Dermatol. 2016 Oct;175(4):785-9; Hocevar M et al. Croat. Med. J. 2006 Dec;47(6):851-4; Ambry internal data). This nucleotide position is highly conserved in available vertebrate species. In silico splice site analysis predicts that this alteration will weaken the native splice acceptor site and will result in the creation or strengthening of a novel splice acceptor site. RNA studies have shown that this variant results in aberrant splicing (Petronzelli F et al. Genes Chromosomes Cancer 2001 Aug; 31(4):398-401; Prowse AH et al. J. Med. Genet. 2003 Aug; 40(8):e102). Based on the supporting evidence, this alteration is interpreted as a disease-causing mutation.

GeneDx
Classification: Pathogenic. Last evaluated: 2016-08-20. Review status: criteria provided, single submitter. Criteria: GeneDx Variant Classification (06012015). Collection method: clinical testing. Allele origin: germline. Affected: yes.
Comment: The c.151-1 G>C splice site variant in the CDKN2A gene destroys the canonical splice acceptor site in intron 1, and appears to cause aberrant splicing of both the p16(INK4a) and p14(ARF) transcripts leading to severely abnormal proteins (Prowse et al., 2003). In the family reported by Prowse et al., several confirmed CDKN2A variant carriers were reported to have multiple benign and malignant tumors including melanoma, neurofibromas, an osteochondroma, and early-onset breast cancer (although the relationship of the variant to the increased risk of breast cancer in the reported family is unknown).

Literature cited by the submitters: PubMed 11433531 (cited by Labcorp Genetics (formerly Invitae), Labcorp and Ambry Genetics); PubMed 12920094 (cited by Labcorp Genetics (formerly Invitae), Labcorp and Ambry Genetics); PubMed 26876133 (cited by Labcorp Genetics (formerly Invitae), Labcorp and Ambry Genetics).